The following is an entry in ClinVar:

NM_006343.3(MERTK):c.2209G>C (p.Val737Leu)

Gene: MERTK (MER proto-oncogene, tyrosine kinase; plus strand). Cytogenetic location: 2q13.
Variant type: single nucleotide variant.
Coding change: c.2209G>C on transcript NM_006343.3 (MANE Select); coding-DNA position 2209, G replaced by C.
Protein change: p.Val737Leu; replaces valine 737 with leucine.
Molecular consequence: missense variant.
Genome position (GRCh38, 1-based): chr2:112,021,441, G>C. VCF-style: chr2-112021441-G-C. GRCh37 (hg19) VCF-style: chr2-112779018-G-C.
Other names: short protein forms V737L.
Identifiers: ClinVar variation 1509034 (VCV001509034.7), dbSNP rs142721656, ClinGen allele CA1831775.

ClinVar aggregate classification (germline): Uncertain significance. Review status: criteria provided, multiple submitters, no conflicts (2 of 4 stars). 2 submissions from 2 submitters: Uncertain significance (2). Last evaluated 2023-10-01.

Conditions:
Retinal dystrophy. Also called: Inherited retinal dystrophy. Identifiers: Orphanet 71862, MedGen C0854723, MeSH D058499, MONDO:0019118, HP:0000556.

Allele frequency attached by ClinVar (database versions not stated): gnomAD exomes 0.00006; ExAC 0.00007; 1000 Genomes Project 30x 0.00031; 1000 Genomes Project 0.00040.
gnomAD v4.1: 43 of 1,613,562 alleles (0.0027%); highest among the groups gnomAD compares: East Asian, 0.087%; no homozygotes.

Submissions (2):

Dept Of Ophthalmology, Nagoya University
Classification: Uncertain significance for Retinal dystrophy. Last evaluated: 2023-10-01. Review status: criteria provided, single submitter. Criteria: Submitter's publication. Collection method: research. Allele origin: germline. Affected: yes.

Labcorp Genetics (formerly Invitae), Labcorp
Classification: Uncertain significance. Last evaluated: 2022-09-01. Review status: criteria provided, single submitter. Criteria: Invitae Variant Classification Sherloc (09022015). Collection method: clinical testing. Allele origin: germline.
Comment: In summary, the available evidence is currently insufficient to determine the role of this variant in disease. Therefore, it has been classified as a Variant of Uncertain Significance. Algorithms developed to predict the effect of missense changes on protein structure and function (SIFT, PolyPhen-2, Align-GVGD) all suggest that this variant is likely to be disruptive. ClinVar contains an entry for this variant (Variation ID: 1509034). This missense change has been observed in individual(s) with clinical features of retinitis pigmentosa (PMID: 31054281). This variant is present in population databases (rs142721656, gnomAD 0.08%). This sequence change replaces valine, which is neutral and non-polar, with leucine, which is neutral and non-polar, at codon 737 of the MERTK protein (p.Val737Leu).

Literature cited by the submitters: PubMed 31054281 (cited by Labcorp Genetics (formerly Invitae), Labcorp).